The following is an entry in ClinVar:

ClinVar aggregate classification (germline): Uncertain significance. Review status: criteria provided, multiple submitters, no conflicts (2 of 4 stars). 2 submissions from 2 submitters: Uncertain significance (2). Last evaluated 2026-05-14.

Conditions:
RP1-related disorder. Also called: RP1-related condition.

gnomAD v4.1: 2 of 1,613,894 alleles (0.00012%); highest among the groups gnomAD compares: Non-Finnish European, 0.00017%; no homozygotes.

Submissions (2):

PreventionGenetics, part of Exact Sciences
Classification: Uncertain significance for RP1-related condition. Last evaluated: 2026-05-14. Review status: criteria provided, single submitter. Criteria: ACMG Guidelines, 2015. Collection method: clinical testing. Allele origin: germline.
Comment: The RP1 c.5012G>C variant is predicted to result in the amino acid substitution p.Ser1671Thr. To our knowledge, this variant has not been reported in the literature or in a large population database (gnomAD), indicating this variant is rare. At this time, the clinical significance of this variant is uncertain due to the absence of conclusive functional and genetic evidence.

Labcorp Genetics (formerly Invitae), Labcorp
Classification: Uncertain significance. Last evaluated: 2025-12-15. Review status: criteria provided, single submitter. Criteria: Invitae Variant Classification Sherloc (09022015). Collection method: clinical testing. Allele origin: germline.
Comment: This sequence change replaces serine, which is neutral and polar, with threonine, which is neutral and polar, at codon 1671 of the RP1 protein (p.Ser1671Thr). This variant is not present in population databases (gnomAD no frequency). This variant has not been reported in the literature in individuals affected with RP1-related conditions. An algorithm developed to predict the effect of missense changes on protein structure and function (PolyPhen-2) suggests that this variant is likely to be tolerated. In summary, the available evidence is currently insufficient to determine the role of this variant in disease. Therefore, it has been classified as a Variant of Uncertain Significance.

NM_006269.2(RP1):c.5012G>C (p.Ser1671Thr)

Genes: RP1 (RP1 axonemal microtubule associated; plus strand), LOC126860392 (CDK7 strongly-dependent group 2 enhancer GRCh37_chr8:55541319-55542518; plus strand). Cytogenetic location: 8q12.1.
Variant type: single nucleotide variant.
Coding change: c.5012G>C on transcript NM_006269.2 (MANE Select); coding-DNA position 5012, G replaced by C.
Protein change: p.Ser1671Thr; replaces serine 1671 with threonine.
Molecular consequence: missense variant. On other transcripts: intron variant (1).
Genome position (GRCh38, 1-based): chr8:54,628,894, G>C. VCF-style: chr8-54628894-G-C. GRCh37 (hg19) VCF-style: chr8-55541454-G-C.
Other names: c.5012G>C (NM_006269.1); c.787+6606G>C (NM_001375654.1); short protein forms S1671T.
Identifiers: ClinVar variation 4696195 (VCV004696195.2).